The following is an entry in ClinVar:

ClinVar aggregate classification (germline): Benign/Likely benign. Review status: criteria provided, multiple submitters, no conflicts (2 of 4 stars). 4 submissions from 4 submitters: Benign (2); Likely benign (2). Last evaluated 2026-01-31.

Conditions:
Dilated cardiomyopathy 1DD (CMD1DD). Identifiers: Orphanet 154, MedGen C2750995, MONDO:0013168, OMIM 613172.

Allele frequency attached by ClinVar (database versions not stated): gnomAD exomes 0.00012 and 0.00030; ExAC 0.00053; 1000 Genomes Project 30x 0.00109; gnomAD 0.00125 and 0.00134; ESP Exome Variant Server 0.00131; 1000 Genomes Project 0.00140; TOPMed 0.00141.
gnomAD v4.1: 357 of 1,546,082 alleles (0.023%); highest among the groups gnomAD compares: African/African-American, 0.44%; 2 homozygotes.

Submissions (4):

Labcorp Genetics (formerly Invitae), Labcorp
Classification: Benign for Dilated cardiomyopathy 1DD. Last evaluated: 2026-01-31. Review status: criteria provided, single submitter. Criteria: Invitae Variant Classification Sherloc (09022015). Collection method: clinical testing. Allele origin: germline.

Blueprint Genetics
Classification: Likely benign. Last evaluated: 2024-08-06. Review status: criteria provided, single submitter. Criteria: ACMG Guidelines, 2015. Collection method: clinical testing. Allele origin: germline.

Women's Health and Genetics/Laboratory Corporation of America, LabCorp
Classification: Benign. Last evaluated: 2022-09-24. Review status: criteria provided, single submitter. Criteria: LabCorp Variant Classification Summary - May 2015. Collection method: clinical testing. Allele origin: germline.

GeneDx
Classification: Likely benign. Last evaluated: 2017-11-06. Review status: criteria provided, single submitter. Criteria: GeneDx Variant Classification (06012015). Collection method: clinical testing. Allele origin: germline. Affected: yes.
Comment: This variant is considered likely benign or benign based on one or more of the following criteria: it is a conservative change, it occurs at a poorly conserved position in the protein, it is predicted to be benign by multiple in silico algorithms, and/or has population frequency not consistent with disease.

NM_001134363.3(RBM20):c.1528-16T>C

Gene: RBM20 (RNA binding motif protein 20; plus strand). Cytogenetic location: 10q25.2.
Variant type: single nucleotide variant.
Coding change: c.1528-16T>C on transcript NM_001134363.3 (MANE Select); 16 bases into the intron before coding-DNA position 1528, T replaced by C.
Molecular consequence: intron variant.
Genome position (GRCh38, 1-based): chr10:110,797,492, T>C. VCF-style: chr10-110797492-T-C. GRCh37 (hg19) VCF-style: chr10-112557250-T-C.
Other names: c.1528-16T>C (LRG_382t1).
Identifiers: ClinVar variation 517019 (VCV000517019.11), dbSNP rs191166138, ClinGen allele CA5688613.